The following is an entry in ClinVar:

NM_001497.4(B4GALT1):c.392C>T (p.Pro131Leu)

Gene: B4GALT1 (beta-1,4-galactosyltransferase 1; minus strand). Cytogenetic location: 9p21.1.
Variant type: single nucleotide variant.
Coding change: c.392C>T on transcript NM_001497.4 (MANE Select); coding-DNA position 392, C replaced by T.
Protein change: p.Pro131Leu; replaces proline 131 with leucine.
Molecular consequence: missense variant.
Genome position (GRCh38, 1-based): chr9:33,166,778, G>A on the plus strand (C>T on the coding strand, the complement: B4GALT1 is on the minus strand). VCF-style: chr9-33166778-G-A. GRCh37 (hg19) VCF-style: chr9-33166776-G-A.
Other names: c.353C>T, p.Pro118Leu (NM_001378495.1); c.392C>T, p.Pro131Leu (NM_001378496.1, NM_001378497.1); short protein forms P131L, P118L.
Identifiers: ClinVar variation 366662 (VCV000366662.14), dbSNP rs150774756, ClinGen allele CA5023796.

ClinVar aggregate classification (germline): Uncertain significance. Review status: criteria provided, multiple submitters, no conflicts (2 of 4 stars). 4 submissions from 4 submitters: Uncertain significance (4). Last evaluated 2024-11-15.

Conditions:
B4GALT1-congenital disorder of glycosylation. Also called: CONGENITAL DISORDER OF GLYCOSYLATION, TYPE IId; CDG IId; B4GALT1-CDG. Identifiers: Orphanet 79332, MedGen C2931009, MONDO:0011772, OMIM 607091.

Allele frequency attached by ClinVar (database versions not stated): gnomAD exomes 0.00012 and 0.00010; TOPMed 0.00013; ExAC 0.00004; ESP Exome Variant Server 0.00008; gnomAD 0.00010 and 0.00011.
gnomAD v4.1: 177 of 1,524,414 alleles (0.012%); highest among the groups gnomAD compares: Admixed American, 0.039%; no homozygotes.

Submissions (4):

Women's Health and Genetics/Laboratory Corporation of America, LabCorp
Classification: Uncertain significance. Last evaluated: 2024-11-15. Review status: criteria provided, single submitter. Criteria: LabCorp Variant Classification Summary - May 2015. Collection method: clinical testing. Allele origin: germline.
Comment: Variant summary: B4GALT1 c.392C>T (p.Pro131Leu) results in a non-conservative amino acid change located in the Galactosyltransferase, N-terminal domain of the encoded protein sequence. Four of five in-silico tools predict a damaging effect of the variant on protein function. The variant allele was found at a frequency of 0.0001 in 173558 control chromosomes. This frequency is not significantly higher than estimated for a pathogenic variant in B4GALT1 causing B4GALT1-CDG, allowing no conclusion about variant significance. To our knowledge, no occurrence of c.392C>T in individuals affected with B4GALT1-CDG and no experimental evidence demonstrating its impact on protein function have been reported. ClinVar contains an entry for this variant (Variation ID: 366662). Based on the evidence outlined above, the variant was classified as uncertain significance.

Labcorp Genetics (formerly Invitae), Labcorp
Classification: Uncertain significance. Last evaluated: 2022-11-01. Review status: criteria provided, single submitter. Criteria: Invitae Variant Classification Sherloc (09022015). Collection method: clinical testing. Allele origin: germline.
Comment: This variant has not been reported in the literature in individuals affected with B4GALT1-related conditions. In summary, the available evidence is currently insufficient to determine the role of this variant in disease. Therefore, it has been classified as a Variant of Uncertain Significance. Advanced modeling of protein sequence and biophysical properties (such as structural, functional, and spatial information, amino acid conservation, physicochemical variation, residue mobility, and thermodynamic stability) performed at Invitae indicates that this missense variant is not expected to disrupt B4GALT1 protein function. ClinVar contains an entry for this variant (Variation ID: 366662). This variant is present in population databases (rs150774756, gnomAD 0.04%). This sequence change replaces proline, which is neutral and non-polar, with leucine, which is neutral and non-polar, at codon 131 of the B4GALT1 protein (p.Pro131Leu).

Laboratorio de Genetica e Diagnostico Molecular, Hospital Israelita Albert Einstein
Classification: Uncertain significance for B4GALT1-congenital disorder of glycosylation. Last evaluated: 2022-08-25. Review status: criteria provided, single submitter. Criteria: ACMG Guidelines, 2015. Collection method: clinical testing. Allele origin: germline. Affected: yes.
Comment: ACMG classification criteria: PM2 moderated, BP4 supporting

Department of Pathology and Laboratory Medicine, Sinai Health System
Classification: Uncertain significance for B4GALT1-congenital disorder of glycosylation. Last evaluated: 2020-06-24. Review status: criteria provided, single submitter. Criteria: ACMG Guidelines, 2015. Collection method: research. Allele origin: germline.